The following is an entry in ClinVar:

ClinVar aggregate classification (germline): Uncertain significance (1 of 4 stars; one submission).

Conditions:
STAT5B-related growth hormone insensitivity syndrome.

Submission:

Illumina Laboratory Services, Illumina
Classification: Uncertain significance for STAT5B-related growth hormone insensitivity syndrome. Last evaluated: 2020-02-18. Review status: criteria provided, single submitter. Criteria: ICSLVariantClassificationCriteria RUGD 01 April 2020. Collection method: clinical testing. Allele origin: unknown.
Comment: The STAT5B c.853A>G (p.Ile285Val) variant is a missense variant. A literature search was performed for the gene, cDNA change, and amino acid change. No publications were found based on this search. This variant is not found in Genome Aggregation Database in a region of good sequence coverage, so the variant is presumed to be rare. The p.Ile285Val variant is located in a coiled-coiled domain of STAT5B, in which one de novo missense variant has been reported in association with growth hormone insensitivity (Klammt et al. 2018). Based on the limited evidence, the p.Ile285Val variant is classified as a variant of unknown significance for STAT5B-related growth hormone insensitivity syndrome.

Literature cited by the submitters: PubMed 29844444.

NM_012448.4(STAT5B):c.853A>G (p.Ile285Val)

Gene: STAT5B (signal transducer and activator of transcription 5B; minus strand). Cytogenetic location: 17q21.2.
Variant type: single nucleotide variant.
Coding change: c.853A>G on transcript NM_012448.4 (MANE Select); coding-DNA position 853, A replaced by G.
Protein change: p.Ile285Val; replaces isoleucine 285 with valine.
Molecular consequence: missense variant.
Genome position (GRCh38, 1-based): chr17:42,218,859, T>C on the plus strand (A>G on the coding strand, the complement: STAT5B is on the minus strand). VCF-style: chr17-42218859-T-C. GRCh37 (hg19) VCF-style: chr17-40370877-T-C.
Other names: short protein forms I285V.
Identifiers: ClinVar variation 873497 (VCV000873497.4), dbSNP rs2080197805, ClinGen allele CA399587118.
Genomic context (GRCh38, chr17:42,218,859, plus strand): 5'-TGGGCAGCTGCTGGCAGAGGTGCTCAGCCCTGCGGATCTGCTGCCGGTTCTGCCAGATGA[T>C]CTCGGCCAACTTCTCACACCTGCACGAGAGCCCCAAGGCCAACAGGAGGACAATGGCTCC-3'
Protein context (NP_036580.2, residues 275-295): LQSWCEKLAE[Ile285Val]IWQNRQQIRR